The following is an entry in ClinVar:

NM_000297.4(PKD2):c.1151C>A (p.Ala384Glu)

Gene: PKD2 (polycystin 2, transient receptor potential cation channel; plus strand). Cytogenetic location: 4q22.1.
Variant type: single nucleotide variant.
Coding change: c.1151C>A on transcript NM_000297.4 (MANE Select); coding-DNA position 1151, C replaced by A.
Protein change: p.Ala384Glu; replaces alanine 384 with glutamic acid.
Molecular consequence: missense variant. On other transcripts: non-coding transcript variant (1).
Genome position (GRCh38, 1-based): chr4:88,043,289, C>A. VCF-style: chr4-88043289-C-A. GRCh37 (hg19) VCF-style: chr4-88964441-C-A.
Other names: short protein forms A384E.
Identifiers: ClinVar variation 907303 (VCV000907303.9), dbSNP rs1408612463, ClinGen allele CA357615513.
Genomic context (GRCh38, chr4:88,043,289, plus strand): 5'-TCAGTTGGATCTACACAAGTGAAAAAGACTTGAATGGTAGTAGCCACTGGGGAATCATTG[C>A]AACTTATAGTGGAGCTGGCTATTATCTGGATTTGTCAAGAACAAGAGAGGAAACAGCTGC-3'
Protein context (NP_000288.1, residues 374-394): LNGSSHWGII[Ala384Glu]TYSGAGYYLD

ClinVar aggregate classification (germline): Uncertain significance. Review status: criteria provided, multiple submitters, no conflicts (2 of 4 stars). 3 submissions from 3 submitters: Uncertain significance (3). Last evaluated 2025-09-26.

Conditions:
Polycystic kidney disease 2 (PKD2). Also called: Polycystic Kidney Disease 2, Autosomal Dominant; POLYCYSTIC KIDNEY DISEASE, ADULT, TYPE II; POLYCYSTIC KIDNEY DISEASE 2 WITH OR WITHOUT POLYCYSTIC LIVER DISEASE. Identifiers: MedGen C2751306, MONDO:0013131, OMIM 613095.
Autosomal dominant polycystic kidney disease. Identifiers: Orphanet 730, MedGen C0085413, MONDO:0004691.

Allele frequency attached by ClinVar (database versions not stated): gnomAD exomes below 0.00001 and 0.00003; TOPMed below 0.00001; gnomAD 0.00001.

Submissions (3):

Labcorp Genetics (formerly Invitae), Labcorp
Classification: Uncertain significance for Autosomal dominant polycystic kidney disease. Last evaluated: 2025-09-26. Review status: criteria provided, single submitter. Criteria: Invitae Variant Classification Sherloc (09022015). Collection method: clinical testing. Allele origin: germline.
Comment: This sequence change replaces alanine, which is neutral and non-polar, with glutamic acid, which is acidic and polar, at codon 384 of the PKD2 protein (p.Ala384Glu). This variant is present in population databases (no rsID available, gnomAD 0.0009%). This variant has not been reported in the literature in individuals affected with PKD2-related conditions. ClinVar contains an entry for this variant (Variation ID: 907303). Invitae Evidence Modeling of protein sequence and biophysical properties (such as structural, functional, and spatial information, amino acid conservation, physicochemical variation, residue mobility, and thermodynamic stability) indicates that this missense variant is not expected to disrupt PKD2 protein function with a negative predictive value of 80%. In summary, the available evidence is currently insufficient to determine the role of this variant in disease. Therefore, it has been classified as a Variant of Uncertain Significance.

Fulgent Genetics
Classification: Uncertain significance for Polycystic kidney disease 2. Last evaluated: 2024-06-06. Review status: criteria provided, single submitter. Criteria: ACMG Guidelines, 2015. Collection method: clinical testing. Allele origin: germline.

Illumina Laboratory Services, Illumina
Classification: Uncertain significance for Polycystic kidney disease 2. Last evaluated: 2018-01-12. Review status: criteria provided, single submitter. Criteria: ICSL Variant Classification Criteria 13 December 2019. Collection method: clinical testing. Allele origin: germline.